The following is an entry in ClinVar:

NM_005477.3(HCN4):c.3499_3501delinsGTC (p.Leu1167Val)

Gene: HCN4 (hyperpolarization activated cyclic nucleotide gated potassium channel 4; minus strand). Cytogenetic location: 15q24.1.
Variant type: Indel.
Coding change: c.3499_3501delinsGTC on transcript NM_005477.3 (MANE Select); coding-DNA positions 3499 to 3501, TTG replaced by GTC.
Protein change: p.Leu1167Val; replaces leucine 1167 with valine.
Molecular consequence: missense variant.
Genome position (GRCh38, 1-based): chr15:73,322,592-73,322,594, CAA replaced by GAC on the plus strand (TTG replaced by GTC on the coding strand, the reverse complement: HCN4 is on the minus strand). VCF-style: chr15-73322592-CAA-GAC. GRCh37 (hg19) VCF-style: chr15-73614933-CAA-GAC.
Other names: short protein forms L1167V.
Identifiers: ClinVar variation 4269221 (VCV004269221.1).

ClinVar aggregate classification (germline): Uncertain significance (1 of 4 stars; one submission).

Conditions:
Cardiovascular phenotype. Identifiers: MedGen CN230736.

Submission:

Ambry Genetics
Classification: Uncertain significance for Cardiovascular phenotype. Last evaluated: 2025-06-19. Review status: criteria provided, single submitter. Criteria: Ambry Variant Classification Scheme 2023. Collection method: clinical testing. Allele origin: germline.
Comment: The c.3499_3501delTTGinsGTC variant (also known as p.L1167V), located in coding exon 8 of the HCN4 gene, results from an in-frame deletion of TTG and insertion of GTC at nucleotide positions 3499 to 3501. This results in the substitution of the leucine residue for a valine residue at codon 1167, an amino acid with highly similar properties. This amino acid position is not well conserved in available vertebrate species. In addition, this alteration is predicted to be tolerated by in silico analysis. Based on the available evidence, the clinical significance of this variant remains unclear.